The following is an entry in ClinVar:

NM_018896.5(CACNA1G):c.974C>G (p.Ala325Gly)

Gene: CACNA1G (calcium voltage-gated channel subunit alpha1 G; plus strand). Cytogenetic location: 17q21.33.
Variant type: single nucleotide variant.
Coding change: c.974C>G on transcript NM_018896.5 (MANE Select); coding-DNA position 974, C replaced by G.
Protein change: p.Ala325Gly; replaces alanine 325 with glycine.
Molecular consequence: missense variant. On other transcripts: non-coding transcript variant (5).
Genome position (GRCh38, 1-based): chr17:50,572,781, C>G. VCF-style: chr17-50572781-C-G. GRCh37 (hg19) VCF-style: chr17-48650142-C-G.
Other names: c.974C>G, p.Ala325Gly (NM_001256324.2, NM_001256325.2, NM_001256326.2 and 24 more transcripts); short protein forms A325G.
Identifiers: ClinVar variation 2770686 (VCV002770686.3), dbSNP rs965460888, ClinGen allele CA400232301.

ClinVar aggregate classification (germline): Uncertain significance (1 of 4 stars; one submission).

Submission:

Labcorp Genetics (formerly Invitae), Labcorp
Classification: Uncertain significance. Last evaluated: 2025-04-14. Review status: criteria provided, single submitter. Criteria: Invitae Variant Classification Sherloc (09022015). Collection method: clinical testing. Allele origin: germline.
Comment: This sequence change replaces alanine, which is neutral and non-polar, with glycine, which is neutral and non-polar, at codon 325 of the CACNA1G protein (p.Ala325Gly). This variant is not present in population databases (gnomAD no frequency). This variant has not been reported in the literature in individuals affected with CACNA1G-related conditions. ClinVar contains an entry for this variant (Variation ID: 2770686). Invitae Evidence Modeling of protein sequence and biophysical properties (such as structural, functional, and spatial information, amino acid conservation, physicochemical variation, residue mobility, and thermodynamic stability) indicates that this missense variant is not expected to disrupt CACNA1G protein function with a negative predictive value of 95%. In summary, the available evidence is currently insufficient to determine the role of this variant in disease. Therefore, it has been classified as a Variant of Uncertain Significance.